The following is an entry in ClinVar:

ClinVar aggregate classification (germline): Uncertain significance (1 of 4 stars; one submission).

Conditions:
Familial thoracic aortic aneurysm and aortic dissection (TAAD). Also called: Thoracic aortic aneurysms and dissections. Identifiers: Orphanet 91387, MedGen C4707243, MONDO:0019625.

Submission:

Ambry Genetics
Classification: Uncertain significance for Familial thoracic aortic aneurysm and aortic dissection. Last evaluated: 2025-03-31. Review status: criteria provided, single submitter. Criteria: Ambry Variant Classification Scheme 2023. Collection method: clinical testing. Allele origin: germline.
Comment: The p.P240L variant (also known as c.719C>T), located in coding exon 1 of the SKI gene, results from a C to T substitution at nucleotide position 719. The proline at codon 240 is replaced by leucine, an amino acid with similar properties. This amino acid position is conserved. In addition, this alteration is predicted to be deleterious by in silico analysis. Based on the available evidence, the clinical significance of this variant remains unclear.

NM_003036.4(SKI):c.719C>T (p.Pro240Leu)

Gene: SKI (SKI proto-oncogene; plus strand). Cytogenetic location: 1p36.33.
Variant type: single nucleotide variant.
Coding change: c.719C>T on transcript NM_003036.4 (MANE Select); coding-DNA position 719, C replaced by T.
Protein change: p.Pro240Leu; replaces proline 240 with leucine.
Molecular consequence: missense variant.
Genome position (GRCh38, 1-based): chr1:2,229,485, C>T. VCF-style: chr1-2229485-C-T. GRCh37 (hg19) VCF-style: chr1-2160924-C-T.
Other names: short protein forms P240L.
Identifiers: ClinVar variation 3954879 (VCV003954879.1).